The following is an entry in ClinVar:

NM_001365999.1(SZT2):c.3950G>A (p.Ser1317Asn)

Gene: SZT2 (SZT2 subunit of KICSTOR complex; plus strand). Cytogenetic location: 1p34.2.
Variant type: single nucleotide variant.
Coding change: c.3950G>A on transcript NM_001365999.1 (MANE Select); coding-DNA position 3950, G replaced by A.
Protein change: p.Ser1317Asn; replaces serine 1317 with asparagine.
Molecular consequence: missense variant.
Genome position (GRCh38, 1-based): chr1:43,428,270, G>A. VCF-style: chr1-43428270-G-A. GRCh37 (hg19) VCF-style: chr1-43893941-G-A.
Other names: c.3779G>A, p.Ser1260Asn (NM_015284.4); c.3779G>A (NM_015284.3); short protein forms S1260N, S1317N.
Identifiers: ClinVar variation 1002537 (VCV001002537.9), dbSNP rs998845607, ClinGen allele CA21634983.

ClinVar aggregate classification (germline): Uncertain significance. Review status: criteria provided, multiple submitters, no conflicts (2 of 4 stars). 3 submissions from 3 submitters: Uncertain significance (3). Last evaluated 2025-10-23.

Conditions:
Developmental and epileptic encephalopathy, 18 (DEE18). Also called: Early infantile epileptic encephalopathy 18. Identifiers: Orphanet 369894, MedGen C3809624, MONDO:0014201, OMIM 615476.
Inborn genetic diseases. Identifiers: MedGen C0950123, MeSH D030342.

Allele frequency attached by ClinVar (database versions not stated): gnomAD exomes below 0.00001 and 0.00001; gnomAD 0.00004; TOPMed 0.00003.
gnomAD v4.1: 13 of 1,614,086 alleles (0.00081%); highest among the groups gnomAD compares: African/African-American, 0.017%; no homozygotes.

Submissions (3):

Ambry Genetics
Classification: Uncertain significance for Inborn genetic diseases. Last evaluated: 2025-10-23. Review status: criteria provided, single submitter. Criteria: Ambry Variant Classification Scheme 2023. Collection method: clinical testing. Allele origin: germline.

Genome-Nilou Lab
Classification: Uncertain significance for Developmental and epileptic encephalopathy, 18. Last evaluated: 2023-04-11. Review status: criteria provided, single submitter. Criteria: ACMG Guidelines, 2015. Collection method: clinical testing. Allele origin: germline. Affected: no.

Labcorp Genetics (formerly Invitae), Labcorp
Classification: Uncertain significance. Last evaluated: 2021-01-29. Review status: criteria provided, single submitter. Criteria: Invitae Variant Classification Sherloc (09022015). Collection method: clinical testing. Allele origin: germline.
Comment: In summary, the available evidence is currently insufficient to determine the role of this variant in disease. Therefore, it has been classified as a Variant of Uncertain Significance. Algorithms developed to predict the effect of missense changes on protein structure and function (SIFT, PolyPhen-2, Align-GVGD) all suggest that this variant is likely to be tolerated, but these predictions have not been confirmed by published functional studies and their clinical significance is uncertain. This variant has not been reported in the literature in individuals with SZT2-related conditions. This variant is not present in population databases (ExAC no frequency). This sequence change replaces serine with asparagine at codon 1260 of the SZT2 protein (p.Ser1260Asn). The serine residue is highly conserved and there is a small physicochemical difference between serine and asparagine.